The following is an entry in ClinVar:

NM_001347217.2(WDR13):c.1155-6T>C

Gene: WDR13 (WD repeat domain 13; plus strand). Cytogenetic location: Xp11.23.
Variant type: single nucleotide variant.
Coding change: c.1155-6T>C on transcript NM_001347217.2 (MANE Select); 6 bases into the intron before coding-DNA position 1155, T replaced by C.
Molecular consequence: intron variant.
Genome position (GRCh38, 1-based): chrX:48,604,266, T>C. VCF-style: chrX-48604266-T-C. GRCh37 (hg19) VCF-style: chrX-48462654-T-C.
Other names: c.879-6T>C (NM_001166426.3, NM_001347219.2); c.1155-6T>C (NM_017883.6).
Identifiers: ClinVar variation 2660461 (VCV002660461.24), dbSNP rs1644811640, ClinGen allele CA1132942854.

ClinVar aggregate classification (germline): Likely benign (1 of 4 stars; one submission).

Allele frequency attached by ClinVar (database versions not stated): gnomAD 0.00001; gnomAD exomes 0.00001.
gnomAD v4.1: 11 of 1,207,912 alleles (0.00091%); highest among the groups gnomAD compares: Middle Eastern, 0.046%; no homozygotes.

Submission:

CeGaT Center for Human Genetics Tuebingen
Classification: Likely benign. Last evaluated: 2023-09-01. Review status: criteria provided, single submitter. Criteria: CeGaT Center For Human Genetics Tuebingen Variant Classification Criteria Version 2. Collection method: clinical testing. Allele origin: germline. Affected: yes. Observed: 1 variant allele.
Comment: WDR13: BP4